The following is an entry in ClinVar:

ClinVar aggregate classification (germline): Uncertain significance (1 of 4 stars; one submission).

Allele frequency attached by ClinVar (database versions not stated): ExAC 0.00001.

Submission:

Labcorp Genetics (formerly Invitae), Labcorp
Classification: Uncertain significance. Last evaluated: 2022-01-02. Review status: criteria provided, single submitter. Criteria: Invitae Variant Classification Sherloc (09022015). Collection method: clinical testing. Allele origin: germline.
Comment: In summary, the available evidence is currently insufficient to determine the role of this variant in disease. Therefore, it has been classified as a Variant of Uncertain Significance. Algorithms developed to predict the effect of missense changes on protein structure and function are either unavailable or do not agree on the potential impact of this missense change (SIFT: "Deleterious"; PolyPhen-2: "Probably Damaging"; Align-GVGD: "Class C0"). This variant has not been reported in the literature in individuals affected with ERCC2-related conditions. This variant is present in population databases (rs745695024, gnomAD 0.003%). This sequence change replaces lysine, which is basic and polar, with threonine, which is neutral and polar, at codon 603 of the ERCC2 protein (p.Lys603Thr).

NM_000400.4(ERCC2):c.1808A>C (p.Lys603Thr)

Gene: ERCC2 (ERCC excision repair 2, TFIIH core complex helicase subunit; minus strand). Cytogenetic location: 19q13.32.
Variant type: single nucleotide variant.
Coding change: c.1808A>C on transcript NM_000400.4 (MANE Select); coding-DNA position 1808, A replaced by C.
Protein change: p.Lys603Thr; replaces lysine 603 with threonine.
Molecular consequence: missense variant.
Genome position (GRCh38, 1-based): chr19:45,353,106, T>G on the plus strand (A>C on the coding strand, the complement: ERCC2 is on the minus strand). VCF-style: chr19-45353106-T-G. GRCh37 (hg19) VCF-style: chr19-45856364-T-G.
Other names: short protein forms K603T.
Identifiers: ClinVar variation 1919005 (VCV001919005.5), dbSNP rs745695024, ClinGen allele CA9513072.